The following is an entry in ClinVar:

ClinVar aggregate classification (germline): Uncertain significance (1 of 4 stars; one submission).

Conditions:
Immunodeficiency, common variable, 2 (CVID2). Also called: ANTIBODY DEFICIENCY DUE TO TACI DEFECT; HYPOGAMMAGLOBULINEMIA DUE TO TACI DEFICIENCY. Identifiers: Orphanet 1572, MedGen C3150354, MONDO:0009413, OMIM 240500.

Allele frequency attached by ClinVar (database versions not stated): gnomAD 0.00001; 1000 Genomes Project 30x 0.00016; 1000 Genomes Project 0.00020; gnomAD exomes 0.00001 and below 0.00001; TOPMed below 0.00001.
gnomAD v4.1: 7 of 1,614,214 alleles (0.00043%); highest among the groups gnomAD compares: East Asian, 0.011%; no homozygotes.

Submission:

Labcorp Genetics (formerly Invitae), Labcorp
Classification: Uncertain significance for Immunodeficiency, common variable, 2. Last evaluated: 2020-10-19. Review status: criteria provided, single submitter. Criteria: Invitae Variant Classification Sherloc (09022015). Collection method: clinical testing. Allele origin: germline.
Comment: In summary, the available evidence is currently insufficient to determine the role of this variant in disease. Therefore, it has been classified as a Variant of Uncertain Significance. Algorithms developed to predict the effect of sequence changes on RNA splicing suggest that this variant may create or strengthen a splice site, but this prediction has not been confirmed by published transcriptional studies. This variant has not been reported in the literature in individuals with TNFRSF13B-related conditions. This variant is not present in population databases (ExAC no frequency). This sequence change affects codon 44 of the TNFRSF13B mRNA. It is a 'silent' change, meaning that it does not change the encoded amino acid sequence of the TNFRSF13B protein.

NM_012452.3(TNFRSF13B):c.132G>A (p.Leu44=)

Gene: TNFRSF13B (TNF receptor superfamily member 13B; minus strand). Cytogenetic location: 17p11.2.
Variant type: single nucleotide variant.
Coding change: c.132G>A on transcript NM_012452.3 (MANE Select); coding-DNA position 132, G replaced by A.
Protein change: p.Leu44=; no amino-acid change (leucine 44 retained).
Molecular consequence: synonymous variant.
Genome position (GRCh38, 1-based): chr17:16,952,513, C>T on the plus strand (G>A on the coding strand, the complement: TNFRSF13B is on the minus strand). VCF-style: chr17-16952513-C-T. GRCh37 (hg19) VCF-style: chr17-16855827-C-T.
Identifiers: ClinVar variation 1441811 (VCV001441811.6), dbSNP rs200936104, ClinGen allele CA288291059.